The following is an entry in ClinVar:

ClinVar aggregate classification (germline): Uncertain significance. Review status: criteria provided, multiple submitters, no conflicts (2 of 4 stars). 3 submissions from 3 submitters: Uncertain significance (3). Last evaluated 2025-11-01.

Conditions:
Cerebral palsy, spastic quadriplegic, 2 (CPSQ2). Identifiers: Orphanet 210141, MedGen C2752061, MONDO:0013033, OMIM 612900.

Allele frequency attached by ClinVar (database versions not stated): TOPMed 0.00025; gnomAD 0.00028 and 0.00031; gnomAD exomes 0.00034 and 0.00019; ESP Exome Variant Server 0.00008; ExAC 0.00016.
gnomAD v4.1: 532 of 1,614,052 alleles (0.033%); highest among the groups gnomAD compares: Admixed American, 0.047%; no homozygotes.

Submissions (3):

CeGaT Center for Human Genetics Tuebingen
Classification: Uncertain significance. Last evaluated: 2025-11-01. Review status: criteria provided, single submitter. Criteria: CeGaT Center For Human Genetics Tuebingen Variant Classification Criteria Version 2. Collection method: clinical testing. Allele origin: germline. Affected: yes. Observed: 1 variant allele.
Comment: KANK1: PM2, BP4

Labcorp Genetics (formerly Invitae), Labcorp
Classification: Uncertain significance. Last evaluated: 2025-09-02. Review status: criteria provided, single submitter. Criteria: Invitae Variant Classification Sherloc (09022015). Collection method: clinical testing. Allele origin: germline.
Comment: This sequence change replaces valine, which is neutral and non-polar, with glycine, which is neutral and non-polar, at codon 754 of the KANK1 protein (p.Val754Gly). This variant is present in population databases (rs148027754, gnomAD 0.04%). This variant has not been reported in the literature in individuals affected with KANK1-related conditions. ClinVar contains an entry for this variant (Variation ID: 1401754). Invitae Evidence Modeling of protein sequence and biophysical properties (such as structural, functional, and spatial information, amino acid conservation, physicochemical variation, residue mobility, and thermodynamic stability) indicates that this missense variant is expected to disrupt KANK1 protein function with a positive predictive value of 80%. In summary, the available evidence is currently insufficient to determine the role of this variant in disease. Therefore, it has been classified as a Variant of Uncertain Significance.

Fulgent Genetics
Classification: Uncertain significance for Cerebral palsy, spastic quadriplegic, 2. Last evaluated: 2022-04-28. Review status: criteria provided, single submitter. Criteria: ACMG Guidelines, 2015. Collection method: clinical testing. Allele origin: unknown.

NM_015158.5(KANK1):c.2261T>G (p.Val754Gly)

Gene: KANK1 (KN motif and ankyrin repeat domains 1; plus strand). Cytogenetic location: 9p24.3.
Variant type: single nucleotide variant.
Coding change: c.2261T>G on transcript NM_015158.5 (MANE Select); coding-DNA position 2261, T replaced by G.
Protein change: p.Val754Gly; replaces valine 754 with glycine.
Molecular consequence: missense variant. On other transcripts: non-coding transcript variant (1).
Genome position (GRCh38, 1-based): chr9:713,027, T>G. VCF-style: chr9-713027-T-G. GRCh37 (hg19) VCF-style: chr9-713027-T-G.
Other names: c.2261T>G, p.Val754Gly (NM_001256876.3, NM_001256877.3, NM_001354331.2 and 2 more transcripts); c.1787T>G, p.Val596Gly (NM_001354341.2, NM_001354342.2, NM_001354343.2 and 9 more transcripts); short protein forms V754G, V596G.
Identifiers: ClinVar variation 1401754 (VCV001401754.14), dbSNP rs148027754, ClinGen allele CA4960470.
Genomic context (GRCh38, chr9:713,027, plus strand): 5'-GGTCCATTGGTGTTGGAACGTTGCTTTCTGGCCATTCTGGGTTTGACAGGCCATCAGCTG[T>G]GAAGACCAAAGAGTCAGGTGTGGGGCAGATAAATATTAACGACAACTATCTGGTTGGTCT-3'
Protein context (NP_055973.2, residues 744-764): GHSGFDRPSA[Val754Gly]KTKESGVGQI